The following is an entry in ClinVar:

NM_005006.7(NDUFS1):c.673dup (p.Ile225fs)

Gene: NDUFS1 (NADH:ubiquinone oxidoreductase core subunit S1; minus strand). Cytogenetic location: 2q33.3.
Variant type: Duplication.
Coding change: c.673dup on transcript NM_005006.7 (MANE Select); coding-DNA position 673, one base duplicated (A; older notation c.673dupA).
Protein change: p.Ile225fs; shifts the reading frame from isoleucine 225.
Molecular consequence: frameshift variant.
Genome position (GRCh38, 1-based): chr2:206,146,967, T duplicated on the plus strand (A on the coding strand, the reverse complement: NDUFS1 is on the minus strand). VCF-style (leftmost placement, unchanged base first): chr2-206146966-A-AT. GRCh37 (hg19) VCF-style: chr2-207011690-A-AT.
Other names: c.565dup, p.Ile189fs (NM_001199981.2); c.340dup, p.Ile114fs (NM_001199982.2); c.502dup, p.Ile168fs (NM_001199983.2); c.715dup, p.Ile239fs (NM_001199984.2); short protein forms I239fs, I114fs, I168fs, I189fs, I225fs.
Identifiers: ClinVar variation 1451930 (VCV001451930.6), dbSNP rs2105973807, ClinGen allele CA2573134366.

ClinVar aggregate classification (germline): Pathogenic (1 of 4 stars; one submission).

Submission:

Labcorp Genetics (formerly Invitae), Labcorp
Classification: Pathogenic. Last evaluated: 2021-03-31. Review status: criteria provided, single submitter. Criteria: Invitae Variant Classification Sherloc (09022015). Collection method: clinical testing. Allele origin: germline.
Comment: This sequence change creates a premature translational stop signal (p.Ile225Asnfs*10) in the NDUFS1 gene. It is expected to result in an absent or disrupted protein product. Loss-of-function variants in NDUFS1 are known to be pathogenic (PMID: 11349233, 22200994). For these reasons, this variant has been classified as Pathogenic. This variant has not been reported in the literature in individuals with NDUFS1-related conditions. This variant is not present in population databases (ExAC no frequency).

Literature cited by the submitters: PubMed 11349233; PubMed 22200994.